The following is an entry in ClinVar:

NM_020975.6(RET):c.3218G>A (p.Ser1073Asn)

Gene: RET (ret proto-oncogene; plus strand). Cytogenetic location: 10q11.21.
Variant type: single nucleotide variant.
Coding change: c.3218G>A on transcript NM_020975.6 (MANE Select); coding-DNA position 3218, G replaced by A.
Protein change: p.Ser1073Asn; replaces serine 1073 with asparagine.
Molecular consequence: missense variant. On other transcripts: 3 prime UTR variant (18), intron variant (3).
Genome position (GRCh38, 1-based): chr10:43,128,142, G>A. VCF-style: chr10-43128142-G-A. GRCh37 (hg19) VCF-style: chr10-43623590-G-A.
Other names: c.2192G>A, p.Ser731Asn (NM_001406783.1); c.*1388G>A (NM_001406784.1, NM_001406785.1, NM_001406786.1 and 15 more transcripts); c.2033G>A, p.Ser678Asn (NM_001406788.1, NM_001406789.1); c.1769G>A, p.Ser590Asn (NM_001406792.1); c.1709G>A, p.Ser570Asn (NM_001406793.1); c.3188-1376G>A (NM_001406744.1); c.2291-1376G>A (NM_001406781.1); c.2462-1376G>A (NM_001406776.1); and 10 more; short protein forms S590N, S811N, S570N, S678N, S1028N, S1030N, S1073N, S941N.
Identifiers: ClinVar variation 3944678 (VCV003944678.1).

ClinVar aggregate classification (germline): Uncertain significance (1 of 4 stars; one submission).

Conditions:
Hereditary cancer-predisposing syndrome. Also called: Tumor predisposition; Hereditary neoplastic syndrome; Hereditary Cancer Syndrome; Neoplastic Syndromes, Hereditary. Identifiers: Orphanet 140162, MedGen C0027672, MeSH D009386, MONDO:0015356.

Submission:

Ambry Genetics
Classification: Uncertain significance for Hereditary cancer-predisposing syndrome. Last evaluated: 2025-03-17. Review status: criteria provided, single submitter. Criteria: Ambry Variant Classification Scheme 2023. Collection method: clinical testing. Allele origin: germline.
Comment: The p.S1073N variant (also known as c.3218G>A), located in coding exon 20 of the RET gene, results from a G to A substitution at nucleotide position 3218. The serine at codon 1073 is replaced by asparagine, an amino acid with highly similar properties. This amino acid position is conserved. In addition, the in silico prediction for this alteration is inconclusive. Based on the available evidence, the clinical significance of this variant remains unclear.